The following is an entry in ClinVar:

NM_004304.5(ALK):c.3451-3C>G

Gene: ALK (ALK receptor tyrosine kinase; minus strand). Cytogenetic location: 2p23.2.
Variant type: single nucleotide variant.
Coding change: c.3451-3C>G on transcript NM_004304.5 (MANE Select); 3 bases into the intron before coding-DNA position 3451, C replaced by G.
Molecular consequence: intron variant.
Genome position (GRCh38, 1-based): chr2:29,222,411, G>C on the plus strand (C>G on the coding strand, the complement: ALK is on the minus strand). VCF-style: chr2-29222411-G-C. GRCh37 (hg19) VCF-style: chr2-29445277-G-C.
Other names: c.247-3C>G (NM_001353765.2).
Identifiers: ClinVar variation 1731567 (VCV001731567.2), dbSNP rs2148168768, ClinGen allele CA2580066299.

ClinVar aggregate classification (germline): Uncertain significance (1 of 4 stars; one submission).

Conditions:
Hereditary cancer-predisposing syndrome. Also called: Neoplastic Syndromes, Hereditary; Tumor predisposition; Hereditary Cancer Syndrome; Hereditary neoplastic syndrome. Identifiers: Orphanet 140162, MedGen C0027672, MeSH D009386, MONDO:0015356.

Submission:

Ambry Genetics
Classification: Uncertain significance for Hereditary cancer-predisposing syndrome. Last evaluated: 2021-01-04. Review status: criteria provided, single submitter. Criteria: Ambry Variant Classification Scheme 2023. Collection method: clinical testing. Allele origin: germline.
Comment: The c.3451-3C>G intronic variant results from a C to G substitution 3 nucleotides upstream from coding exon 22 in the ALK gene. This nucleotide position is well conserved in available vertebrate species. In silico splice site analysis for this alteration is inconclusive. Since supporting evidence is limited at this time, the clinical significance of this alteration remains unclear.